The following is an entry in ClinVar:

NM_000238.4(KCNH2):c.2692+4A>G

Gene: KCNH2 (potassium voltage-gated channel subfamily H member 2; minus strand). Cytogenetic location: 7q36.1.
Variant type: single nucleotide variant.
Coding change: c.2692+4A>G on transcript NM_000238.4 (MANE Select); 4 bases into the intron after coding-DNA position 2692, A replaced by G.
Molecular consequence: intron variant.
Genome position (GRCh38, 1-based): chr7:150,948,440, T>C on the plus strand (A>G on the coding strand, the complement: KCNH2 is on the minus strand). VCF-style: chr7-150948440-T-C. GRCh37 (hg19) VCF-style: chr7-150645528-T-C.
Other names: c.1672+4A>G (NM_172057.3).
Identifiers: ClinVar variation 941769 (VCV000941769.7), dbSNP rs1359821930, ClinGen allele CA578701796.

ClinVar aggregate classification (germline): Uncertain significance (1 of 4 stars; one submission).

Conditions:
Long QT syndrome (LQTS). Identifiers: MedGen C0023976, MeSH D008133, MONDO:0002442. Disease mechanism: loss of function. Inheritance: Various modes of inheritance.

Submission:

Labcorp Genetics (formerly Invitae), Labcorp
Classification: Uncertain significance for Long QT syndrome. Last evaluated: 2019-10-09. Review status: criteria provided, single submitter. Criteria: Invitae Variant Classification Sherloc (09022015). Collection method: clinical testing. Allele origin: germline.
Comment: This variant has not been reported in the literature in individuals with KCNH2-related conditions. In summary, the available evidence is currently insufficient to determine the role of this variant in disease. Therefore, it has been classified as a Variant of Uncertain Significance. Nucleotide substitutions within the consensus splice site are a relatively common cause of aberrant splicing (PMID: 17576681, 9536098). Algorithms developed to predict the effect of sequence changes on RNA splicing suggest that this variant may disrupt the consensus splice site, but this prediction has not been confirmed by published transcriptional studies. The frequency data for this variant in the population databases is considered unreliable, as metrics indicate insufficient coverage at this position in the ExAC database. This sequence change falls in intron 11 of the KCNH2 gene. It does not directly change the encoded amino acid sequence of the KCNH2 protein, but it affects a nucleotide within the consensus splice site of the intron.

Literature cited by the submitters: PubMed 17576681; PubMed 9536098.